The following is an entry in ClinVar:

NM_007186.6(CEP250):c.599+5G>A

Gene: CEP250 (centrosomal protein 250; plus strand). Cytogenetic location: 20q11.22.
Variant type: single nucleotide variant.
Coding change: c.599+5G>A on transcript NM_007186.6 (MANE Select); 5 bases into the intron after coding-DNA position 599, G replaced by A.
Molecular consequence: intron variant.
Genome position (GRCh38, 1-based): chr20:35,467,077, G>A. VCF-style: chr20-35467077-G-A. GRCh37 (hg19) VCF-style: chr20-34054902-G-A.
Other names: c.-1301+5G>A (NM_001318219.1).
Identifiers: ClinVar variation 935225 (VCV000935225.5), dbSNP rs1162584600, ClinGen allele CA635353388.

ClinVar aggregate classification (germline): Uncertain significance (1 of 4 stars; one submission).

Allele frequency attached by ClinVar (database versions not stated): gnomAD exomes below 0.00001; TOPMed 0.00003.
gnomAD v4.1: 9 of 1,605,944 alleles (0.00056%); highest among the groups gnomAD compares: African/African-American, 0.008%; no homozygotes.

Submission:

Labcorp Genetics (formerly Invitae), Labcorp
Classification: Uncertain significance. Last evaluated: 2020-01-28. Review status: criteria provided, single submitter. Criteria: Invitae Variant Classification Sherloc (09022015). Collection method: clinical testing. Allele origin: germline.
Comment: This sequence change falls in intron 8 of the CEP250 gene. It does not directly change the encoded amino acid sequence of the CEP250 protein, but it affects a nucleotide within the consensus splice site of the intron. This variant is not present in population databases (ExAC no frequency). This variant has not been reported in the literature in individuals with CEP250-related conditions. Nucleotide substitutions within the consensus splice site are a relatively common cause of aberrant splicing (PMID: 17576681, 9536098). Experimental studies and prediction algorithms are not available or were not evaluated, and the effect of this variant on mRNA splicing is currently unknown. In summary, the available evidence is currently insufficient to determine the role of this variant in disease. Therefore, it has been classified as a Variant of Uncertain Significance.

Literature cited by the submitters: PubMed 17576681; PubMed 9536098.